The following is an entry in ClinVar:

NM_006031.6(PCNT):c.3549C>T (p.Ile1183=)

Gene: PCNT (pericentrin; plus strand). Cytogenetic location: 21q22.3.
Variant type: single nucleotide variant.
Coding change: c.3549C>T on transcript NM_006031.6 (MANE Select); coding-DNA position 3549, C replaced by T.
Protein change: p.Ile1183=; no amino-acid change (isoleucine 1183 retained).
Molecular consequence: synonymous variant.
Genome position (GRCh38, 1-based): chr21:46,388,826, C>T. VCF-style: chr21-46388826-C-T. GRCh37 (hg19) VCF-style: chr21-47808741-C-T.
Other names: c.3195C>T, p.Ile1065= (NM_001315529.2); c.3549C>T (NM_006031.5).
Identifiers: ClinVar variation 194854 (VCV000194854.18), dbSNP rs139383288, ClinGen allele CA241046.
Genomic context (GRCh38, chr21:46,388,826, plus strand): 5'-CAGGCTGCTGGGTTTGTTTGGAGAGACGCTGAGGGCAGCCGTCACCCTGAGGAGCCGGAT[C>T]GGGGAGCGCGTGGGGCTCTGCCTGGATGACGCGGGCGCAGGCCTGGCCCTGTCGACAGGT-3'
Protein context (NP_006022.3, residues 1173-1193): LRAAVTLRSR[Ile1183=]GERVGLCLDD

ClinVar aggregate classification (germline): Conflicting classifications of pathogenicity. Review status: criteria provided, conflicting classifications (1 of 4 stars). 5 submissions from 5 submitters: Uncertain significance (2); Likely benign (2). 1 of the submissions does not count toward it. Last evaluated 2025-12-21.

Conditions:
PCNT-related disorder. Also called: PCNT-related condition.
Microcephalic osteodysplastic primordial dwarfism type II (MOPD2). Also called: OSTEODYSPLASTIC PRIMORDIAL DWARFISM, TYPE II; Microcephalic osteodysplastic primordial dwarfism with tooth abnormalities; MOPD II. Identifiers: Orphanet 2637, MedGen C0432246, MONDO:0008872, OMIM 210720.

Allele frequency attached by ClinVar (database versions not stated): gnomAD 0.00022 and 0.00058; gnomAD exomes 0.00036; ExAC 0.00043; ESP Exome Variant Server 0.00062; TOPMed 0.00083.
gnomAD v4.1: 531 of 1,612,642 alleles (0.033%); highest among the groups gnomAD compares: Non-Finnish European, 0.033%; 4 homozygotes.

Submissions (5):

Labcorp Genetics (formerly Invitae), Labcorp
Classification: Likely benign. Last evaluated: 2025-12-21. Review status: criteria provided, single submitter. Criteria: Invitae Variant Classification Sherloc (09022015). Collection method: clinical testing. Allele origin: germline.

Blueprint Genetics
Classification: Likely benign. Last evaluated: 2024-10-17. Review status: criteria provided, single submitter. Criteria: ACMG Guidelines, 2015. Collection method: clinical testing. Allele origin: germline.

Revvity Omics, Revvity
Classification: Uncertain significance for Microcephalic osteodysplastic primordial dwarfism type II. Last evaluated: 2020-06-24. Review status: criteria provided, single submitter. Criteria: ACMG Guidelines, 2015. Collection method: clinical testing. Allele origin: germline.

Eurofins Ntd Llc (ga)
Classification: Uncertain significance. Last evaluated: 2015-04-22. Review status: criteria provided, single submitter. Criteria: EGL Classification Definitions 2015. Collection method: clinical testing. Allele origin: germline. Observed: 1 variant allele, 1 heterozygote.

PreventionGenetics, part of Exact Sciences
Classification: Likely benign for PCNT-related condition. Last evaluated: 2021-07-08. Review status: no assertion criteria provided. Collection method: clinical testing. Allele origin: germline. Not counted in ClinVar's aggregate classification.
Comment: This variant is classified as likely benign based on ACMG/AMP sequence variant interpretation guidelines (Richards et al. 2015 PMID: 25741868, with internal and published modifications).